The following is an entry in ClinVar:

NM_000136.3(FANCC):c.878T>A (p.Val293Asp)

Genes: FANCC (FA complementation group C; minus strand), AOPEP (aminopeptidase O (putative); plus strand). Cytogenetic location: 9q22.32.
Variant type: single nucleotide variant.
Coding change: c.878T>A on transcript NM_000136.3 (MANE Select); coding-DNA position 878, T replaced by A.
Protein change: p.Val293Asp; replaces valine 293 with aspartic acid.
Molecular consequence: missense variant.
Genome position (GRCh38, 1-based): chr9:95,126,547, A>T on the plus strand (T>A on the coding strand, the complement: FANCC is on the minus strand). VCF-style: chr9-95126547-A-T. GRCh37 (hg19) VCF-style: chr9-97888829-A-T.
Other names: c.878T>A, p.Val293Asp (NM_001243743.2, NM_001243744.2); short protein forms V293D.
Identifiers: ClinVar variation 1764664 (VCV001764664.2), dbSNP rs2541175893, ClinGen allele CA374109088.

ClinVar aggregate classification (germline): Uncertain significance (1 of 4 stars; one submission).

Conditions:
Hereditary cancer-predisposing syndrome. Also called: Neoplastic Syndromes, Hereditary; Tumor predisposition; Hereditary Cancer Syndrome; Hereditary neoplastic syndrome. Identifiers: Orphanet 140162, MedGen C0027672, MeSH D009386, MONDO:0015356.

Allele frequency attached by ClinVar (database versions not stated): gnomAD exomes below 0.00001.
gnomAD v4.1: 1 of 1,614,056 alleles (0.000062%); highest among the groups gnomAD compares: South Asian, 0.0011%; no homozygotes.

Submission:

Ambry Genetics
Classification: Uncertain significance for Hereditary cancer-predisposing syndrome. Last evaluated: 2022-01-31. Review status: criteria provided, single submitter. Criteria: Ambry Variant Classification Scheme 2023. Collection method: clinical testing. Allele origin: germline.
Comment: The p.V293D variant (also known as c.878T>A), located in coding exon 8 of the FANCC gene, results from a T to A substitution at nucleotide position 878. The valine at codon 293 is replaced by aspartic acid, an amino acid with highly dissimilar properties. This amino acid position is conserved. In addition, the in silico prediction for this alteration is inconclusive. Since supporting evidence is limited at this time, the clinical significance of this alteration remains unclear.